The following is an entry in ClinVar:

ClinVar aggregate classification (germline): Benign. Review status: criteria provided, multiple submitters, no conflicts (2 of 4 stars). 3 submissions from 3 submitters: Benign (2). 1 of the submissions does not count toward it. Last evaluated 2019-12-31.

Conditions:
ESPL1-related disorder. Also called: ESPL1-related condition.

Allele frequency attached by ClinVar (database versions not stated): gnomAD exomes 0.00130 and 0.00229; ExAC 0.00269; gnomAD 0.00591 and 0.00626; ESP Exome Variant Server 0.00700; TOPMed 0.00709; 1000 Genomes Project 0.00739; 1000 Genomes Project 30x 0.00874.
gnomAD v4.1: 2,918 of 1,612,344 alleles (0.18%); highest among the groups gnomAD compares: African/African-American, 1.8%; 23 homozygotes.

Submissions (6):

Labcorp Genetics (formerly Invitae), Labcorp
Classification: Benign. Last evaluated: 2019-12-31. Review status: criteria provided, single submitter. Criteria: Invitae Variant Classification Sherloc (09022015). Collection method: clinical testing. Allele origin: germline.

Breakthrough Genomics
Classification: Benign. Review status: criteria provided, single submitter. Criteria: ACMG Guidelines, 2015. Collection method: not provided. Allele origin: germline. Inheritance: Unknown mechanism. Affected: yes.

PreventionGenetics, part of Exact Sciences
Classification: Benign for ESPL1-related condition. Last evaluated: 2019-06-10. Review status: no assertion criteria provided. Collection method: clinical testing. Allele origin: germline. Not counted in ClinVar's aggregate classification.
Comment: This variant is classified as benign based on ACMG/AMP sequence variant interpretation guidelines (Richards et al. 2015 PMID: 25741868, with internal and published modifications).

Dr. Peter K. Rogan Lab, Western University
No classification provided (evidence only). Condition: Acute myeloid leukemia. Review status: no classification provided. Collection method: in vitro. Allele origin: not applicable. Functional consequence: retained intron. Not counted in ClinVar's aggregate classification.

Dr. Peter K. Rogan Lab, Western University
No classification provided (evidence only). Condition: Hepatocellular carcinoma. Review status: no classification provided. Collection method: in vitro. Allele origin: not applicable. Functional consequence: retained intron. Not counted in ClinVar's aggregate classification.

Dr. Peter K. Rogan Lab, Western University
No classification provided (evidence only). Condition: Hepatocellular carcinoma. Review status: no classification provided. Collection method: in vitro. Allele origin: not applicable. Functional consequence: retained intron. Not counted in ClinVar's aggregate classification.

NM_012291.5(ESPL1):c.4384G>A (p.Ala1462Thr)

Gene: ESPL1 (extra spindle pole bodies like 1, separase; plus strand). Cytogenetic location: 12q13.13.
Variant type: single nucleotide variant.
Coding change: c.4384G>A on transcript NM_012291.5 (MANE Select); coding-DNA position 4384, G replaced by A.
Protein change: p.Ala1462Thr; replaces alanine 1462 with threonine.
Molecular consequence: missense variant.
Genome position (GRCh38, 1-based): chr12:53,288,179, G>A. VCF-style: chr12-53288179-G-A. GRCh37 (hg19) VCF-style: chr12-53681963-G-A.
Other names: NC_000012.11:g.53681963G>A; short protein forms A1462T.
Identifiers: ClinVar variation 782559 (VCV000782559.8), dbSNP rs61752572, ClinGen allele CA6597660.